The following is an entry in ClinVar:

NM_001905.4(CTPS1):c.241C>T (p.Arg81Cys)

Gene: CTPS1 (CTP synthase 1; plus strand). Cytogenetic location: 1p34.2.
Variant type: single nucleotide variant.
Coding change: c.241C>T on transcript NM_001905.4 (MANE Select); coding-DNA position 241, C replaced by T.
Protein change: p.Arg81Cys; replaces arginine 81 with cysteine.
Molecular consequence: missense variant. On other transcripts: non-coding transcript variant (1).
Genome position (GRCh38, 1-based): chr1:40,984,895, C>T. VCF-style: chr1-40984895-C-T. GRCh37 (hg19) VCF-style: chr1-41450567-C-T.
Other names: short protein forms R81C.
Identifiers: ClinVar variation 1500698 (VCV001500698.8), dbSNP rs748131892, ClinGen allele CA21130313.

ClinVar aggregate classification (germline): Uncertain significance (1 of 4 stars; one submission).

Conditions:
Combined immunodeficiency due to CTPS1 deficiency. Also called: Immunodeficiency 24; Severe combined immunodeficiency due to CTPS1 deficiency. Identifiers: Orphanet 420573, MedGen C4014617, MONDO:0014391, OMIM 615897.

Allele frequency attached by ClinVar (database versions not stated): gnomAD exomes 0.00001; TOPMed 0.00001.
gnomAD v4.1: 18 of 1,605,170 alleles (0.0011%); highest among the groups gnomAD compares: Admixed American, 0.0051%; no homozygotes.

Submission:

Labcorp Genetics (formerly Invitae), Labcorp
Classification: Uncertain significance for Combined immunodeficiency due to CTPS1 deficiency. Last evaluated: 2024-10-17. Review status: criteria provided, single submitter. Criteria: Invitae Variant Classification Sherloc (09022015). Collection method: clinical testing. Allele origin: germline.
Comment: This sequence change replaces arginine, which is basic and polar, with cysteine, which is neutral and slightly polar, at codon 81 of the CTPS1 protein (p.Arg81Cys). This variant is present in population databases (no rsID available, gnomAD 0.006%). This variant has not been reported in the literature in individuals affected with CTPS1-related conditions. ClinVar contains an entry for this variant (Variation ID: 1500698). An algorithm developed to predict the effect of missense changes on protein structure and function (PolyPhen-2) suggests that this variant is likely to be tolerated. In summary, the available evidence is currently insufficient to determine the role of this variant in disease. Therefore, it has been classified as a Variant of Uncertain Significance.